The following is an entry in ClinVar:

NM_017777.4(MKS1):c.477G>A (p.Met159Ile)

Gene: MKS1 (MKS transition zone complex subunit 1; minus strand). Cytogenetic location: 17q22.
Variant type: single nucleotide variant.
Coding change: c.477G>A on transcript NM_017777.4 (MANE Select); coding-DNA position 477, G replaced by A.
Protein change: p.Met159Ile; replaces methionine 159 with isoleucine.
Molecular consequence: missense variant. On other transcripts: intron variant (1).
Genome position (GRCh38, 1-based): chr17:58,214,779, C>T on the plus strand (G>A on the coding strand, the complement: MKS1 is on the minus strand). VCF-style: chr17-58214779-C-T. GRCh37 (hg19) VCF-style: chr17-56292140-C-T.
Other names: c.477G>A, p.Met159Ile (NM_001321269.2, NM_001330397.2); c.-94-392G>A (NM_001321268.2); short protein forms M159I.
Identifiers: ClinVar variation 1693100 (VCV001693100.2), dbSNP rs2143808917, ClinGen allele CA400327188.
Genomic context (GRCh38, chr17:58,214,779, plus strand): 5'-CCCATCCCATGCCCGCACTCACATCCCTCGCCTGTCCTGCCGGCGACGCCTGACATTTGC[C>T]ATTCGCTCGACCAAGAATGAAGGCACCTCGCTGGCTGCAGTGGTCATTCTCTGACAGTGC-3'
Protein context (NP_060247.2, residues 149-169): SEVPSFLVER[Met159Ile]ANVRRRRQDR

ClinVar aggregate classification (germline): Uncertain significance (1 of 4 stars; one submission).

Submission:

GeneDx
Classification: Uncertain significance. Last evaluated: 2021-12-22. Review status: criteria provided, single submitter. Criteria: GeneDx Variant Classification Process June 2021. Collection method: clinical testing. Allele origin: germline. Affected: yes.
Comment: Not observed at significant frequency in large population cohorts (gnomAD); In silico analysis supports that this missense variant does not alter protein structure/function; Has not been previously published as pathogenic or benign to our knowledge